The following is an entry in ClinVar:

NM_015338.6(ASXL1):c.2445G>A (p.Pro815=)

Gene: ASXL1 (ASXL transcriptional regulator 1; plus strand). Cytogenetic location: 20q11.21.
Variant type: single nucleotide variant.
Coding change: c.2445G>A on transcript NM_015338.6 (MANE Select); coding-DNA position 2445, G replaced by A.
Protein change: p.Pro815=; no amino-acid change (proline 815 retained).
Molecular consequence: synonymous variant.
Genome position (GRCh38, 1-based): chr20:32,435,157, G>A. VCF-style: chr20-32435157-G-A. GRCh37 (hg19) VCF-style: chr20-31022960-G-A.
Other names: c.2262G>A, p.Pro754= (NM_001363734.1).
Identifiers: ClinVar variation 3439526 (VCV003439526.2).

ClinVar aggregate classification (germline): Conflicting classifications of pathogenicity. Review status: criteria provided, conflicting classifications (1 of 4 stars). 2 submissions from 2 submitters: Uncertain significance (1); Likely benign (1). Last evaluated 2025-03-28.

Conditions:
Inborn genetic diseases. Identifiers: MedGen C0950123, MeSH D030342.

gnomAD v4.1: 13 of 1,613,732 alleles (0.00081%); highest among the groups gnomAD compares: East Asian, 0.0022%; no homozygotes.

Submissions (2):

Labcorp Genetics (formerly Invitae), Labcorp
Classification: Uncertain significance. Last evaluated: 2025-03-28. Review status: criteria provided, single submitter. Criteria: Invitae Variant Classification Sherloc (09022015). Collection method: clinical testing. Allele origin: germline.
Comment: This sequence change affects codon 815 of the ASXL1 mRNA. It is a 'silent' change, meaning that it does not change the encoded amino acid sequence of the ASXL1 protein. The frequency data for this variant in the population databases is considered unreliable, as metrics indicate poor data quality at this position in the gnomAD database. This variant has not been reported in the literature in individuals affected with ASXL1-related conditions. ClinVar contains an entry for this variant (Variation ID: 3439526). Experimental studies and prediction algorithms are not available or were not evaluated, and the effect of this variant on mRNA splicing is currently unknown. In summary, the available evidence is currently insufficient to determine the role of this variant in disease. Therefore, it has been classified as a Variant of Uncertain Significance.

Ambry Genetics
Classification: Likely benign for Inborn genetic diseases. Last evaluated: 2024-12-06. Review status: criteria provided, single submitter. Criteria: Ambry Variant Classification Scheme 2023. Collection method: clinical testing. Allele origin: germline.